The following is an entry in ClinVar:

NM_001378454.1(ALMS1):c.5559G>A (p.Gln1853=)

Gene: ALMS1 (ALMS1 centrosome and basal body associated protein; plus strand). Cytogenetic location: 2p13.1.
Variant type: single nucleotide variant.
Coding change: c.5559G>A on transcript NM_001378454.1 (MANE Select); coding-DNA position 5559, G replaced by A.
Protein change: p.Gln1853=; no amino-acid change (glutamine 1853 retained).
Molecular consequence: synonymous variant.
Genome position (GRCh38, 1-based): chr2:73,452,086, G>A. VCF-style: chr2-73452086-G-A. GRCh37 (hg19) VCF-style: chr2-73679213-G-A.
Other names: c.5562G>A, p.Gln1854= (NM_015120.4).
Identifiers: ClinVar variation 4986146 (VCV004986146.1), dbSNP rs886056303.
Genomic context (GRCh38, chr2:73,452,086, plus strand): 5'-TCCTGGACCAGCTGACCAGAAGACTGGAATAAACATCCTGCCCTCTAATTCCTACCCACA[G>A]AGAGAGCACTCTGTCATTTCTTATGAGCAGGAGTTGCCAGATCTTACTGAAGTAACTTTG-3'
Protein context (NP_001365383.1, residues 1843-1863): INILPSNSYP[Gln1853=]REHSVISYEQ

ClinVar aggregate classification (germline): Likely benign (1 of 4 stars; one submission).

Conditions:
ALMS1-related disorder. Also called: ALMS1-related condition.

Submission:

PreventionGenetics, part of Exact Sciences
Classification: Likely benign for ALMS1-related condition. Last evaluated: 2025-06-18. Review status: criteria provided, single submitter. Criteria: ACMG Guidelines, 2015. Collection method: clinical testing. Allele origin: germline.
Comment: This variant is classified as likely benign based on ACMG/AMP sequence variant interpretation guidelines (Richards et al. 2015 PMID: 25741868, with internal and published modifications).